The following is an entry in ClinVar:

NM_003721.4(RFXANK):c.472G>C (p.Glu158Gln)

Gene: RFXANK (regulatory factor X associated ankyrin containing protein; plus strand). Cytogenetic location: 19p13.11.
Variant type: single nucleotide variant.
Coding change: c.472G>C on transcript NM_003721.4 (MANE Select); coding-DNA position 472, G replaced by C.
Protein change: p.Glu158Gln; replaces glutamic acid 158 with glutamine.
Molecular consequence: missense variant.
Genome position (GRCh38, 1-based): chr19:19,198,140, G>C. VCF-style: chr19-19198140-G-C. GRCh37 (hg19) VCF-style: chr19-19308949-G-C.
Other names: c.406G>C, p.Glu136Gln (NM_001278727.2, NM_001370234.1); c.403G>C, p.Glu135Gln (NM_001278728.2, NM_134440.3); c.472G>C, p.Glu158Gln (NM_001370233.1, NM_001370238.1); c.469G>C, p.Glu157Gln (NM_001370235.1, NM_001370236.1, NM_001370237.1); short protein forms E135Q, E158Q, E136Q, E157Q.
Identifiers: ClinVar variation 3719609 (VCV003719609.2).

ClinVar aggregate classification (germline): Uncertain significance (1 of 4 stars; one submission).

Conditions:
MHC class II deficiency. Also called: Bare lymphocyte syndrome 2; BLS, TYPE II. Identifiers: Orphanet 572, MedGen C5447452, MONDO:0008855.

Submission:

Labcorp Genetics (formerly Invitae), Labcorp
Classification: Uncertain significance for MHC class II deficiency. Last evaluated: 2025-01-20. Review status: criteria provided, single submitter. Criteria: Invitae Variant Classification Sherloc (09022015). Collection method: clinical testing. Allele origin: germline.
Comment: This sequence change replaces glutamic acid, which is acidic and polar, with glutamine, which is neutral and polar, at codon 158 of the RFXANK protein (p.Glu158Gln). This variant is not present in population databases (gnomAD no frequency). This variant has not been reported in the literature in individuals affected with RFXANK-related conditions. Invitae Evidence Modeling of protein sequence and biophysical properties (such as structural, functional, and spatial information, amino acid conservation, physicochemical variation, residue mobility, and thermodynamic stability) indicates that this missense variant is not expected to disrupt RFXANK protein function with a negative predictive value of 80%. In summary, the available evidence is currently insufficient to determine the role of this variant in disease. Therefore, it has been classified as a Variant of Uncertain Significance.